The following is an entry in ClinVar:

ClinVar aggregate classification (germline): Benign/Likely benign. Review status: criteria provided, multiple submitters, no conflicts (2 of 4 stars). 2 submissions from 2 submitters: Benign (1); Likely benign (1). Last evaluated 2025-03-17.

Conditions:
NPAS2-related disorder. Also called: NPAS2-related condition.

Allele frequency attached by ClinVar (database versions not stated): 1000 Genomes Project 0.00020; ESP Exome Variant Server 0.00023; gnomAD 0.00029 and 0.00050; 1000 Genomes Project 30x 0.00031; TOPMed 0.00036; gnomAD exomes 0.00079 and 0.00115; ExAC 0.00147.
gnomAD v4.1: 1,236 of 1,614,032 alleles (0.077%); highest among the groups gnomAD compares: South Asian, 0.58%; 9 homozygotes.

Submissions (2):

PreventionGenetics, part of Exact Sciences
Classification: Likely benign for NPAS2-related condition. Last evaluated: 2025-03-17. Review status: criteria provided, single submitter. Criteria: ACMG Guidelines, 2015. Collection method: clinical testing. Allele origin: germline.
Comment: This variant is classified as likely benign based on ACMG/AMP sequence variant interpretation guidelines (Richards et al. 2015 PMID: 25741868, with internal and published modifications).

Labcorp Genetics (formerly Invitae), Labcorp
Classification: Benign. Last evaluated: 2019-12-31. Review status: criteria provided, single submitter. Criteria: Invitae Variant Classification Sherloc (09022015). Collection method: clinical testing. Allele origin: germline.

NM_002518.4(NPAS2):c.1248C>T (p.His416=)

Genes: NPAS2 (neuronal PAS domain protein 2; plus strand), NPAS2-AS1 (NPAS2 antisense RNA 1; minus strand). Cytogenetic location: 2q11.2.
Variant type: single nucleotide variant.
Coding change: c.1248C>T on transcript NM_002518.4 (MANE Select); coding-DNA position 1248, C replaced by T.
Protein change: p.His416=; no amino-acid change (histidine 416 retained).
Molecular consequence: synonymous variant.
Genome position (GRCh38, 1-based): chr2:100,974,910, C>T. VCF-style: chr2-100974910-C-T. GRCh37 (hg19) VCF-style: chr2-101591372-C-T.
Identifiers: ClinVar variation 733860 (VCV000733860.5), dbSNP rs200967952, ClinGen allele CA1803748.